The following is an entry in ClinVar:

NM_000260.4(MYO7A):c.3074C>G (p.Pro1025Arg)

Gene: MYO7A (myosin VIIA; plus strand). Cytogenetic location: 11q13.5.
Variant type: single nucleotide variant.
Coding change: c.3074C>G on transcript NM_000260.4 (MANE Select); coding-DNA position 3074, C replaced by G.
Protein change: p.Pro1025Arg; replaces proline 1025 with arginine.
Molecular consequence: missense variant.
Genome position (GRCh38, 1-based): chr11:77,182,120, C>G. VCF-style: chr11-77182120-C-G. GRCh37 (hg19) VCF-style: chr11-76893166-C-G.
Other names: c.3074C>G, p.Pro1025Arg (NM_001127180.2); c.3041C>G, p.Pro1014Arg (NM_001369365.1); short protein forms P1014R, P1025R.
Identifiers: ClinVar variation 5040070 (VCV005040070.1).

ClinVar aggregate classification (germline): Uncertain significance (1 of 4 stars; one submission).

Submission:

CeGaT Center for Human Genetics Tuebingen
Classification: Uncertain significance. Last evaluated: 2026-07-01. Review status: criteria provided, single submitter. Criteria: CeGaT Center For Human Genetics Tuebingen Variant Classification Criteria Version 2. Collection method: clinical testing. Allele origin: germline. Affected: yes. Observed: 1 variant allele.
Comment: MYO7A: PM2, PP3